The following is an entry in ClinVar:

NM_021224.6(ZNF462):c.2893G>A (p.Glu965Lys)

Gene: ZNF462 (zinc finger protein 462; plus strand). Cytogenetic location: 9q31.2.
Variant type: single nucleotide variant.
Coding change: c.2893G>A on transcript NM_021224.6 (MANE Select); coding-DNA position 2893, G replaced by A.
Protein change: p.Glu965Lys; replaces glutamic acid 965 with lysine.
Molecular consequence: missense variant.
Genome position (GRCh38, 1-based): chr9:106,926,805, G>A. VCF-style: chr9-106926805-G-A. GRCh37 (hg19) VCF-style: chr9-109689086-G-A.
Other names: c.2893G>A, p.Glu965Lys (NM_001347997.2); short protein forms E965K.
Identifiers: ClinVar variation 3781201 (VCV003781201.1).

ClinVar aggregate classification (germline): Uncertain significance (1 of 4 stars; one submission).

Submission:

GeneDx
Classification: Uncertain significance. Last evaluated: 2024-10-15. Review status: criteria provided, single submitter. Criteria: GeneDx Variant Classification Process June 2021. Collection method: clinical testing. Allele origin: germline. Affected: yes.
Comment: Not observed at significant frequency in large population cohorts (gnomAD); In silico analysis indicates that this missense variant does not alter protein structure/function; Has not been previously published as pathogenic or benign to our knowledge